The following is an entry in ClinVar:

NM_001267550.2(TTN):c.54496C>T (p.Leu18166Phe)

Genes: TTN-AS1 (TTN antisense RNA 1; plus strand), TTN (titin; minus strand). Cytogenetic location: 2q31.2.
Variant type: single nucleotide variant.
Coding change: c.54496C>T on transcript NM_001267550.2 (MANE Select); coding-DNA position 54496, C replaced by T.
Protein change: p.Leu18166Phe; replaces leucine 18166 with phenylalanine.
Molecular consequence: missense variant.
Genome position (GRCh38, 1-based): chr2:178,604,191, G>A on the plus strand (C>T on the coding strand, the complement: TTN is on the minus strand). VCF-style: chr2-178604191-G-A. GRCh37 (hg19) VCF-style: chr2-179468918-G-A.
Other names: c.49573C>T, p.Leu16525Phe (NM_001256850.1); c.27301C>T, p.Leu9101Phe (NM_003319.4); c.46792C>T, p.Leu15598Phe (NM_133378.4); c.27676C>T, p.Leu9226Phe (NM_133432.3); c.27877C>T, p.Leu9293Phe (NM_133437.4); short protein forms L15598F, L16525F, L18166F, L9101F, L9226F, L9293F.
Identifiers: ClinVar variation 1006757 (VCV001006757.8), dbSNP rs878953621, ClinGen allele CA60979866.

ClinVar aggregate classification (germline): Uncertain significance. Review status: criteria provided, multiple submitters, no conflicts (2 of 4 stars). 2 submissions from 2 submitters: Uncertain significance (2). Last evaluated 2026-06-23.

Conditions:
TTN-related disorder. Also called: TTN-related condition; TTN-related disease; TTN-related disorders.
Dilated cardiomyopathy 1G (CMD1G). Identifiers: Orphanet 154, MedGen C1858763, MONDO:0011400, OMIM 604145.
Autosomal recessive limb-girdle muscular dystrophy type 2J (LGMDR10). Also called: Limb-girdle muscular dystrophy, type 2J; MUSCULAR DYSTROPHY, LIMB-GIRDLE, AUTOSOMAL RECESSIVE 10. Identifiers: Orphanet 140922, MedGen C1837342, MONDO:0012127, OMIM 608807.

Allele frequency attached by ClinVar (database versions not stated): gnomAD exomes below 0.00001; TOPMed 0.00002.
gnomAD v4.1: 1 of 1,611,964 alleles (0.000062%); highest among the groups gnomAD compares: African/African-American, 0.0013%; no homozygotes.

Submissions (2):

PreventionGenetics, part of Exact Sciences
Classification: Uncertain significance for TTN-related condition. Last evaluated: 2026-06-23. Review status: criteria provided, single submitter. Criteria: ACMG Guidelines, 2015. Collection method: clinical testing. Allele origin: germline.
Comment: The TTN c.54496C>T variant is predicted to result in the amino acid substitution p.Leu18166Phe. To our knowledge, this variant has not been reported in the literature or in a large population database (gnomAD), indicating this variant is rare. At this time, the clinical significance of this variant is uncertain due to the absence of conclusive functional and genetic evidence.

Labcorp Genetics (formerly Invitae), Labcorp
Classification: Uncertain significance for Dilated cardiomyopathy 1G; Autosomal recessive limb-girdle muscular dystrophy type 2J. Last evaluated: 2023-01-14. Review status: criteria provided, single submitter. Criteria: Invitae Variant Classification Sherloc (09022015). Collection method: clinical testing. Allele origin: germline.
Comment: This missense change has been observed in individual(s) with dilated cardiomyopathy (Invitae). In summary, the available evidence is currently insufficient to determine the role of this variant in disease. Therefore, it has been classified as a Variant of Uncertain Significance. This variant is located in the A band of TTN (PMID: 25589632). Variants in this region may be relevant for cardiac or neuromuscular disorders (PMID: 25589632, 23975875). Experimental studies and prediction algorithms are not available or were not evaluated, and the functional significance of this variant is currently unknown. ClinVar contains an entry for this variant (Variation ID: 1006757). This variant is not present in population databases (gnomAD no frequency). This sequence change replaces leucine, which is neutral and non-polar, with phenylalanine, which is neutral and non-polar, at codon 18166 of the TTN protein (p.Leu18166Phe).

Literature cited by the submitters: PubMed 25589632 (cited by Labcorp Genetics (formerly Invitae), Labcorp); PubMed 23975875 (cited by Labcorp Genetics (formerly Invitae), Labcorp).